The following is an entry in ClinVar:

NM_000535.7(PMS2):c.2174+10T>G

Gene: PMS2 (PMS1 homolog 2, mismatch repair system component; minus strand). Cytogenetic location: 7p22.1.
Variant type: single nucleotide variant.
Coding change: c.2174+10T>G on transcript NM_000535.7 (MANE Select); 10 bases into the intron after coding-DNA position 2174, T replaced by G.
Molecular consequence: intron variant.
Genome position (GRCh38, 1-based): chr7:5,982,814, A>C on the plus strand (T>G on the coding strand, the complement: PMS2 is on the minus strand). VCF-style: chr7-5982814-A-C. GRCh37 (hg19) VCF-style: chr7-6022445-A-C.
Other names: c.1856+10T>G (NM_001322008.2, NM_001406883.1, NM_001322007.2 and 1 more transcripts); c.1865+10T>G (NM_001406881.1, NM_001406879.1, NM_001322015.2 and 5 more transcripts); c.1769+10T>G (NM_001406895.1, NM_001322004.2, NM_001406889.1 and 14 more transcripts); c.1403+10T>G (NM_001406911.1); c.1613+10T>G (NM_001322010.2, NM_001406906.1, NM_001406907.1); c.1700+10T>G (NM_001406902.1, NM_001406901.1); c.1661+10T>G (NM_001406904.1, NM_001406905.1); c.1601+10T>G (NM_001322013.2, NM_001406909.1); and 16 more.
Identifiers: ClinVar variation 2830399 (VCV002830399.3), dbSNP rs2128702013, ClinGen allele CA2713826748.

ClinVar aggregate classification (germline): Uncertain significance (1 of 4 stars; one submission).

Conditions:
Hereditary nonpolyposis colorectal neoplasms. Identifiers: MedGen C0009405, MeSH D003123.

Submission:

Labcorp Genetics (formerly Invitae), Labcorp
Classification: Uncertain significance for Hereditary nonpolyposis colorectal neoplasms. Last evaluated: 2023-03-04. Review status: criteria provided, single submitter. Criteria: Invitae Variant Classification Sherloc (09022015). Collection method: clinical testing. Allele origin: germline.
Comment: In summary, the available evidence is currently insufficient to determine the role of this variant in disease. Therefore, it has been classified as a Variant of Uncertain Significance. Studies have shown that this variant is associated with altered splicing resulting in unknown protein product impact (Invitae). This variant has not been reported in the literature in individuals affected with PMS2-related conditions. The frequency data for this variant in the population databases (gnomAD) is considered unreliable due to the presence of homologous sequence, such as pseudogenes or paralogs, in the genome. This sequence change falls in intron 12 of the PMS2 gene. It does not directly change the encoded amino acid sequence of the PMS2 protein.